The following is an entry in ClinVar:

NM_001042492.3(NF1):c.2239dup (p.Met747fs)

Gene: NF1 (neurofibromin 1; plus strand). Cytogenetic location: 17q11.2.
Variant type: Duplication.
Coding change: c.2239dup on transcript NM_001042492.3 (MANE Select); coding-DNA position 2239, one base duplicated (A; older notation c.2239dupA).
Protein change: p.Met747fs; shifts the reading frame from methionine 747.
Molecular consequence: frameshift variant.
Genome position (GRCh38, 1-based): chr17:31,226,672, A duplicated. VCF-style (leftmost placement, unchanged base first): chr17-31226671-T-TA. GRCh37 (hg19) VCF-style: chr17-29553689-T-TA.
Other names: c.2239dup, p.Met747Asnfs (NM_000267.4); short protein forms M747fs.
Identifiers: ClinVar variation 3638015 (VCV003638015.2).

ClinVar aggregate classification (germline): Pathogenic (1 of 4 stars; one submission).

Conditions:
Neurofibromatosis, type 1 (NF1). Also called: VON RECKLINGHAUSEN DISEASE; Peripheral type neurofibromatosis; NEUROFIBROMATOSIS, TYPE I, SOMATIC; Neurofibromatosis, type I. Identifiers: Orphanet 636, MedGen C0027831, MONDO:0018975, OMIM 162200. Disease mechanism: loss of function.

Submission:

Labcorp Genetics (formerly Invitae), Labcorp
Classification: Pathogenic for Neurofibromatosis, type 1. Last evaluated: 2024-02-02. Review status: criteria provided, single submitter. Criteria: Invitae Variant Classification Sherloc (09022015). Collection method: clinical testing. Allele origin: germline.
Comment: This sequence change creates a premature translational stop signal (p.Met747Asnfs*21) in the NF1 gene. It is expected to result in an absent or disrupted protein product. Loss-of-function variants in NF1 are known to be pathogenic (PMID: 10712197, 23913538). This variant is not present in population databases (gnomAD no frequency). This variant has not been reported in the literature in individuals affected with NF1-related conditions. For these reasons, this variant has been classified as Pathogenic.

Literature cited by the submitters: PubMed 10712197; PubMed 23913538.